The following is an entry in ClinVar:

NM_004655.4(AXIN2):c.1684C>T (p.Pro562Ser)

Gene: AXIN2 (axin 2; minus strand). Cytogenetic location: 17q24.1.
Variant type: single nucleotide variant.
Coding change: c.1684C>T on transcript NM_004655.4 (MANE Select); coding-DNA position 1684, C replaced by T.
Protein change: p.Pro562Ser; replaces proline 562 with serine.
Molecular consequence: missense variant.
Genome position (GRCh38, 1-based): chr17:65,537,352, G>A on the plus strand (C>T on the coding strand, the complement: AXIN2 is on the minus strand). VCF-style: chr17-65537352-G-A. GRCh37 (hg19) VCF-style: chr17-63533470-G-A.
Other names: c.1684C>T, p.Pro562Ser (NM_001363813.1); short protein forms P562S.
Identifiers: ClinVar variation 954191 (VCV000954191.12), dbSNP rs1461001184, ClinGen allele CA400676841.
Genomic context (GRCh38, chr17:65,537,352, plus strand): 5'-ACACGGGACACTGCGGTCCGCCCGGCACTTACCCAAACTGCTCGCTGGGCATGGTTTCCG[G>A]AGCCTTGGAGTGGCTTTTGCATTTCGAGTAGCAGTAATACTCGCTGCCCCCAGGGCAGAA-3'
Protein context (NP_004646.3, residues 552-572): YSKCKSHSKA[Pro562Ser]ETMPSEQFGG

ClinVar aggregate classification (germline): Uncertain significance. Review status: criteria provided, multiple submitters, no conflicts (2 of 4 stars). 2 submissions from 2 submitters: Uncertain significance (2). Last evaluated 2026-01-04.

Conditions:
Hereditary cancer-predisposing syndrome. Also called: Hereditary neoplastic syndrome; Tumor predisposition; Neoplastic Syndromes, Hereditary; Hereditary Cancer Syndrome. Identifiers: Orphanet 140162, MedGen C0027672, MeSH D009386, MONDO:0015356.
Oligodontia-cancer predisposition syndrome. Also called: TOOTH AGENESIS-COLORECTAL CANCER SYNDROME. Identifiers: Orphanet 300576, MedGen C1837750, MONDO:0012075, OMIM 608615. Disease mechanism: loss of function.

Allele frequency attached by ClinVar (database versions not stated): gnomAD exomes 0.00001; TOPMed 0.00001.
gnomAD v4.1: 17 of 1,614,142 alleles (0.0011%); highest among the groups gnomAD compares: South Asian, 0.0022%; no homozygotes.

Submissions (2):

Labcorp Genetics (formerly Invitae), Labcorp
Classification: Uncertain significance for Oligodontia-cancer predisposition syndrome. Last evaluated: 2026-01-04. Review status: criteria provided, single submitter. Criteria: Invitae Variant Classification Sherloc (09022015). Collection method: clinical testing. Allele origin: germline.
Comment: This sequence change replaces proline, which is neutral and non-polar, with serine, which is neutral and polar, at codon 562 of the AXIN2 protein (p.Pro562Ser). This variant is present in population databases (no rsID available, gnomAD 0.003%). This variant has not been reported in the literature in individuals affected with AXIN2-related conditions. ClinVar contains an entry for this variant (Variation ID: 954191). Invitae Evidence Modeling of protein sequence and biophysical properties (such as structural, functional, and spatial information, amino acid conservation, physicochemical variation, residue mobility, and thermodynamic stability) indicates that this missense variant is not expected to disrupt AXIN2 protein function with a negative predictive value of 80%. In summary, the available evidence is currently insufficient to determine the role of this variant in disease. Therefore, it has been classified as a Variant of Uncertain Significance.

Ambry Genetics
Classification: Uncertain significance for Hereditary cancer-predisposing syndrome. Last evaluated: 2023-07-01. Review status: criteria provided, single submitter. Criteria: Ambry Variant Classification Scheme 2023. Collection method: clinical testing. Allele origin: germline.
Comment: The p.P562S variant (also known as c.1684C>T), located in coding exon 5 of the AXIN2 gene, results from a C to T substitution at nucleotide position 1684. The proline at codon 562 is replaced by serine, an amino acid with similar properties. This amino acid position is poorly conserved in available vertebrate species. In addition, this alteration is predicted to be tolerated by in silico analysis. Since supporting evidence is limited at this time, the clinical significance of this alteration remains unclear.